The following is an entry in ClinVar:

NM_007294.4(BRCA1):c.433C>G (p.Pro145Ala)

Gene: BRCA1 (BRCA1 DNA repair associated; minus strand). Cytogenetic location: 17q21.31.
Variant type: single nucleotide variant.
Coding change: c.433C>G on transcript NM_007294.4 (MANE Select); coding-DNA position 433, C replaced by G.
Protein change: p.Pro145Ala; replaces proline 145 with alanine.
Molecular consequence: missense variant. On other transcripts: intron variant (2).
Genome position (GRCh38, 1-based): chr17:43,104,130, G>C on the plus strand (C>G on the coding strand, the complement: BRCA1 is on the minus strand). VCF-style: chr17-43104130-G-C. GRCh37 (hg19) VCF-style: chr17-41256147-G-C.
Other names: c.433C>G, p.Pro145Ala (NM_001407630.1, NM_001407631.1, NM_001407632.1 and 164 more transcripts); c.355C>G, p.Pro119Ala (NM_001408411.1, NM_001408412.1, NM_001408413.1 and 21 more transcripts); c.223C>G, p.Pro75Ala (NM_001407571.1, NM_001407853.1, NM_001407879.1 and 58 more transcripts); c.424C>G, p.Pro142Ala (NM_001407646.1, NM_001407647.1, NM_001408408.1); c.292C>G, p.Pro98Ala (NM_001407692.1, NM_001407694.1, NM_001407695.1 and 99 more transcripts); c.52C>G, p.Pro18Ala (NM_001407959.1, NM_001407960.1, NM_001407962.1 and 4 more transcripts); c.301C>G, p.Pro101Ala (NM_001408451.1); c.-218-9270C>G (NM_001407967.1, NM_001407966.1); short protein forms P101A, P119A, P142A, P145A, P18A, P75A, P98A.
Identifiers: ClinVar variation 4800869 (VCV004800869.1).
Genomic context (GRCh38, chr17:43,104,130, plus strand): 5'-GAAAAAAAAAAGAAAAGAAGAAGAAGAAGAAGAAGAAAACAAATGGTTTTACCAAGGAAG[G>C]ATTTTCGGGTTCACTCTGTAGAAGTCTTTTGGCACGGTTTCTGTAGCCCATACTTTGGAT-3'
Protein context (NP_009225.1, residues 135-155): KRLLQSEPEN[Pro145Ala]SLQETSLSVQ

ClinVar aggregate classification (germline): Uncertain significance (1 of 4 stars; one submission).

Conditions:
Hereditary breast ovarian cancer syndrome. Also called: Hereditary breast and ovarian cancer syndrome (HBOC); Hereditary breast and ovarian cancer; Breast and ovarian cancer; Hereditary breast and/or ovarian cancer syndrome; BRCA1- and BRCA2-Associated Hereditary Breast and Ovarian Cancer; Hereditary breast and ovarian cancer syndrome. Identifiers: Orphanet 145, MedGen C0677776, MeSH D061325, MONDO:0003582. Disease mechanism: loss of function.

Submission:

Labcorp Genetics (formerly Invitae), Labcorp
Classification: Uncertain significance for Hereditary breast ovarian cancer syndrome. Last evaluated: 2025-02-05. Review status: criteria provided, single submitter. Criteria: Invitae Variant Classification Sherloc (09022015). Collection method: clinical testing. Allele origin: germline.
Comment: This sequence change replaces proline, which is neutral and non-polar, with alanine, which is neutral and non-polar, at codon 145 of the BRCA1 protein (p.Pro145Ala). This variant is not present in population databases (gnomAD no frequency). This variant has not been reported in the literature in individuals affected with BRCA1-related conditions. Invitae Evidence Modeling of protein sequence and biophysical properties (such as structural, functional, and spatial information, amino acid conservation, physicochemical variation, residue mobility, and thermodynamic stability) indicates that this missense variant is not expected to disrupt BRCA1 protein function with a negative predictive value of 80%. In summary, the available evidence is currently insufficient to determine the role of this variant in disease. Therefore, it has been classified as a Variant of Uncertain Significance.